The following is an entry in ClinVar:

NM_003859.3(DPM1):c.605G>A (p.Cys202Tyr)

Genes: ADNP-AS1 (ADNP antisense RNA 1; plus strand), DPM1 (dolichyl-phosphate mannosyltransferase subunit 1, catalytic; minus strand). Cytogenetic location: 20q13.13.
Variant type: single nucleotide variant.
Coding change: c.605G>A on transcript NM_003859.3 (MANE Select); coding-DNA position 605, G replaced by A.
Protein change: p.Cys202Tyr; replaces cysteine 202 with tyrosine.
Molecular consequence: missense variant. On other transcripts: non-coding transcript variant (1).
Genome position (GRCh38, 1-based): chr20:50,936,221, C>T on the plus strand (G>A on the coding strand, the complement: DPM1 is on the minus strand). VCF-style: chr20-50936221-C-T. GRCh37 (hg19) VCF-style: chr20-49552758-C-T.
Other names: c.710G>A, p.Cys237Tyr (NM_001317034.1); c.686G>A, p.Cys229Tyr (NM_001317035.1); c.536G>A, p.Cys179Tyr (NM_001317036.1); short protein forms C229Y, C202Y, C179Y, C237Y.
Identifiers: ClinVar variation 842476 (VCV000842476.6), dbSNP rs528582693, ClinGen allele CA9909037.

ClinVar aggregate classification (germline): Uncertain significance. Review status: criteria provided, multiple submitters, no conflicts (2 of 4 stars). 2 submissions from 2 submitters: Uncertain significance (2). Last evaluated 2023-02-16.

Conditions:
Inborn genetic diseases. Identifiers: MedGen C0950123, MeSH D030342.
Congenital disorder of glycosylation type 1E (CDG1E). Also called: CONGENITAL DISORDER OF GLYCOSYLATION, TYPE Ie; CDG Ie. Identifiers: Orphanet 79322, MedGen C1837396, MONDO:0012123, OMIM 608799.

Allele frequency attached by ClinVar (database versions not stated): gnomAD below 0.00001 and 0.00003; ExAC 0.00002; TOPMed 0.00002; gnomAD exomes 0.00003 and 0.00006; 1000 Genomes Project 30x 0.00016; 1000 Genomes Project 0.00020.

Submissions (2):

Ambry Genetics
Classification: Uncertain significance for Inborn genetic diseases. Last evaluated: 2023-02-16. Review status: criteria provided, single submitter. Criteria: Ambry Variant Classification Scheme 2023. Collection method: clinical testing. Allele origin: germline.

Labcorp Genetics (formerly Invitae), Labcorp
Classification: Uncertain significance for Congenital disorder of glycosylation type 1E. Last evaluated: 2022-07-11. Review status: criteria provided, single submitter. Criteria: Invitae Variant Classification Sherloc (09022015). Collection method: clinical testing. Allele origin: germline.
Comment: This sequence change replaces cysteine, which is neutral and slightly polar, with tyrosine, which is neutral and polar, at codon 202 of the DPM1 protein (p.Cys202Tyr). This variant is present in population databases (rs528582693, gnomAD 0.05%), including at least one homozygous and/or hemizygous individual. This missense change has been observed in individual(s) with clinical features of DPM1-congenital disorder of glycosylation (Invitae). ClinVar contains an entry for this variant (Variation ID: 842476). Algorithms developed to predict the effect of missense changes on protein structure and function (SIFT, PolyPhen-2, Align-GVGD) all suggest that this variant is likely to be tolerated. In summary, the available evidence is currently insufficient to determine the role of this variant in disease. Therefore, it has been classified as a Variant of Uncertain Significance.